The following is an entry in ClinVar:

ClinVar aggregate classification (germline): Uncertain significance (1 of 4 stars; one submission).

Conditions:
Hereditary cancer-predisposing syndrome. Also called: Neoplastic Syndromes, Hereditary; Tumor predisposition; Hereditary Cancer Syndrome; Hereditary neoplastic syndrome. Identifiers: Orphanet 140162, MedGen C0027672, MeSH D009386, MONDO:0015356.

Allele frequency attached by ClinVar (database versions not stated): gnomAD exomes 0.00001; TOPMed 0.00001.

Submission:

Color Diagnostics, LLC DBA Color Health
Classification: Uncertain significance for Hereditary cancer-predisposing syndrome. Last evaluated: 2023-12-05. Review status: criteria provided, single submitter. Criteria: ACMG Guidelines, 2015. Collection method: clinical testing. Allele origin: germline.
Comment: This missense variant replaces histidine with arginine at codon 871 of the BRIP1 protein. Computational prediction tools and conservation analyses suggest that this variant may have deleterious impact on the protein function. Computational splicing tools suggest that this variant may not impact RNA splicing. To our knowledge, functional assays have not been performed for this variant nor has this variant been reported in individuals affected with hereditary cancer in the literature. This variant has been identified in 2/250952 chromosomes in the general population by the Genome Aggregation Database (gnomAD). Available evidence is insufficient to determine the role of this variant in disease conclusively. Therefore, this variant is classified as a Variant of Uncertain Significance.

NM_032043.3(BRIP1):c.2612A>G (p.His871Arg)

Gene: BRIP1 (BRCA1 interacting DNA helicase 1; minus strand). Cytogenetic location: 17q23.2.
Variant type: single nucleotide variant.
Coding change: c.2612A>G on transcript NM_032043.3 (MANE Select); coding-DNA position 2612, A replaced by G.
Protein change: p.His871Arg; replaces histidine 871 with arginine.
Molecular consequence: missense variant.
Genome position (GRCh38, 1-based): chr17:61,686,129, T>C on the plus strand (A>G on the coding strand, the complement: BRIP1 is on the minus strand). VCF-style: chr17-61686129-T-C. GRCh37 (hg19) VCF-style: chr17-59763490-T-C.
Other names: short protein forms H871R.
Identifiers: ClinVar variation 925225 (VCV000925225.5), dbSNP rs1171326662, ClinGen allele CA400481944.